The following is an entry in ClinVar:

NM_001083116.3(PRF1):c.1660G>A (p.Val554Met)

Gene: PRF1 (perforin 1; minus strand). Cytogenetic location: 10q22.1.
Variant type: single nucleotide variant.
Coding change: c.1660G>A on transcript NM_001083116.3 (MANE Select); coding-DNA position 1660, G replaced by A.
Protein change: p.Val554Met; replaces valine 554 with methionine.
Molecular consequence: missense variant.
Genome position (GRCh38, 1-based): chr10:70,598,061, C>T on the plus strand (G>A on the coding strand, the complement: PRF1 is on the minus strand). VCF-style: chr10-70598061-C-T. GRCh37 (hg19) VCF-style: chr10-72357817-C-T.
Other names: c.1660G>A, p.Val554Met (NM_005041.6); short protein forms V554M.
Identifiers: ClinVar variation 1346574 (VCV001346574.5), dbSNP rs768505698, ClinGen allele CA376954758.

ClinVar aggregate classification (germline): Uncertain significance (1 of 4 stars; one submission).

Conditions:
Familial hemophagocytic lymphohistiocytosis 2 (FHL2). Also called: PRF1-Related Familial Hemophagocytic Lymphohistiocytosis (PRF1-fHLH). Identifiers: Orphanet 540, MedGen C1863727, MONDO:0011337, OMIM 603553.

Allele frequency attached by ClinVar (database versions not stated): gnomAD 0.00001; TOPMed 0.00001.
gnomAD v4.1: 8 of 1,613,250 alleles (0.0005%); highest among the groups gnomAD compares: Admixed American, 0.0033%; no homozygotes.

Submission:

Labcorp Genetics (formerly Invitae), Labcorp
Classification: Uncertain significance for Familial hemophagocytic lymphohistiocytosis 2. Last evaluated: 2021-08-27. Review status: criteria provided, single submitter. Criteria: Invitae Variant Classification Sherloc (09022015). Collection method: clinical testing. Allele origin: germline.
Comment: This sequence change replaces valine with methionine at codon 554 of the PRF1 protein (p.Val554Met). The valine residue is moderately conserved and there is a small physicochemical difference between valine and methionine. This variant is not present in population databases (ExAC no frequency). This variant has not been reported in the literature in individuals affected with PRF1-related conditions. Algorithms developed to predict the effect of missense changes on protein structure and function are either unavailable or do not agree on the potential impact of this missense change (SIFT: "Tolerated"; PolyPhen-2: "Probably Damaging"; Align-GVGD: "Class C0"). In summary, the available evidence is currently insufficient to determine the role of this variant in disease. Therefore, it has been classified as a Variant of Uncertain Significance.